The following is an entry in ClinVar:

ClinVar aggregate classification (germline): Uncertain significance (1 of 4 stars; one submission).

Conditions:
Dilated Cardiomyopathy, Recessive.

gnomAD v4.1: 6 of 1,603,608 alleles (0.00037%); highest among the groups gnomAD compares: Non-Finnish European, 0.00051%; no homozygotes.

Submission:

Labcorp Genetics (formerly Invitae), Labcorp
Classification: Uncertain significance. Last evaluated: 2021-08-31. Review status: criteria provided, single submitter. Criteria: Invitae Variant Classification Sherloc (09022015). Collection method: clinical testing. Allele origin: germline.
Comment: This sequence change replaces threonine with serine at codon 367 of the PLEKHM2 protein (p.Thr367Ser). The threonine residue is weakly conserved and there is a small physicochemical difference between threonine and serine. This variant is not present in population databases (ExAC no frequency). This variant has not been reported in the literature in individuals affected with PLEKHM2-related conditions. Algorithms developed to predict the effect of missense changes on protein structure and function (SIFT, PolyPhen-2, Align-GVGD) all suggest that this variant is likely to be tolerated. Algorithms developed to predict the effect of sequence changes on RNA splicing suggest that this variant may create or strengthen a splice site. In summary, the available evidence is currently insufficient to determine the role of this variant in disease. Therefore, it has been classified as a Variant of Uncertain Significance.

NM_015164.4(PLEKHM2):c.1100C>G (p.Thr367Ser)

Gene: PLEKHM2 (pleckstrin homology and RUN domain containing M2; plus strand). Cytogenetic location: 1p36.21.
Variant type: single nucleotide variant.
Coding change: c.1100C>G on transcript NM_015164.4 (MANE Select); coding-DNA position 1100, C replaced by G.
Protein change: p.Thr367Ser; replaces threonine 367 with serine.
Molecular consequence: missense variant.
Genome position (GRCh38, 1-based): chr1:15,727,172, C>G. VCF-style: chr1-15727172-C-G. GRCh37 (hg19) VCF-style: chr1-16053667-C-G.
Other names: short protein forms T367S.
Identifiers: ClinVar variation 570594 (VCV000570594.6), dbSNP rs774282688, ClinGen allele CA338585301.
Genomic context (GRCh38, chr1:15,727,172, plus strand): 5'-AGCAGGGGGACGGTGACAGCCGCAACGGCAGCCCAAGCCTTGGGCGGGACTCGCCAGACA[C>G]TATGCTTGCCTCCCCCCAGGAGGAGGGAGAGGGGCCGAGCAGCACCACGGAGAGCAGCGA-3'
Protein context (NP_055979.2, residues 357-377): SPSLGRDSPD[Thr367Ser]MLASPQEEGE